The following is an entry in ClinVar:

NM_004733.4(SLC33A1):c.1648T>G (p.Ter550Glu)

Gene: SLC33A1 (solute carrier family 33 member 1; minus strand). Cytogenetic location: 3q25.31.
Variant type: single nucleotide variant.
Coding change: c.1648T>G on transcript NM_004733.4 (MANE Select); coding-DNA position 1648, T replaced by G.
Protein change: p.Ter550Glu.
Molecular consequence: stop lost.
Genome position (GRCh38, 1-based): chr3:155,828,212, A>C on the plus strand (T>G on the coding strand, the complement: SLC33A1 is on the minus strand). VCF-style: chr3-155828212-A-C. GRCh37 (hg19) VCF-style: chr3-155546001-A-C.
Other names: c.1648T>G, p.Ter550Glu (NM_001190992.2); c.1342T>G, p.Ter448Glu (NM_001363883.1).
Identifiers: ClinVar variation 3767745 (VCV003767745.1).
Genomic context (GRCh38, chr3:155,828,212, plus strand): 5'-CTCTCCGAATTAAAACTAAACTACAATTACCTTGCTAGAATGTCCAGTAGCATATATATT[A>C]ATTGTTCCTTTTGCATTTCCACGAAGATGATCCTTCATCCTGTAACTTTTTAAATTTTGG-3'

ClinVar aggregate classification (germline): Uncertain significance (1 of 4 stars; one submission).

Submission:

GeneDx
Classification: Uncertain significance. Last evaluated: 2024-09-10. Review status: criteria provided, single submitter. Criteria: GeneDx Variant Classification Process June 2021. Collection method: clinical testing. Allele origin: germline. Affected: yes.
Comment: Stop codon loss and change to a glutamic acid codon, leading to protein extension and the addition of 8 amino acid(s) at the C-terminus; Not observed at significant frequency in large population cohorts (gnomAD); Has not been previously published as pathogenic or benign to our knowledge